The following is an entry in ClinVar:

NM_001453.3(FOXC1):c.1464GGC[3] (p.Ala493_Ala495del)

Gene: FOXC1 (forkhead box C1; plus strand). Cytogenetic location: 6p25.3.
Variant type: Microsatellite.
Coding change: c.1464GGC[3] on transcript NM_001453.3 (MANE Select); three copies in a row of the 3-base unit GGC starting at c.1464; the reference has six copies in a row; three copies, 9 bases deleted.
Protein change: p.Ala493_Ala495del.
Molecular consequence: inframe deletion.
Genome position (GRCh38, 1-based): chr6:1,611,918-1,611,926, GGCGGCGGC deleted; deleting any 9 consecutive bases within chr6:1,611,907-1,611,926 gives the same sequence; the position shown is the placement nearest the transcript's 3' end. VCF-style (leftmost placement, unchanged base first): chr6-1611906-CGCGGCGGCG-C. GRCh37 (hg19) VCF-style: chr6-1612141-CGCGGCGGCG-C.
Identifiers: ClinVar variation 1553562 (VCV001553562.29), dbSNP rs747574884, ClinGen allele CA3614897.

ClinVar aggregate classification (germline): Benign/Likely benign. Review status: criteria provided, multiple submitters, no conflicts (2 of 4 stars). 3 submissions from 3 submitters: Benign (1); Likely benign (2). Last evaluated 2025-08-17.

Conditions:
Axenfeld-Rieger syndrome type 3 (RIEG3). Also called: AXENFELD-RIEGER ANOMALY WITH CARDIAC DEFECTS AND/OR SENSORINEURAL HEARING LOSS. Identifiers: Orphanet 782, MedGen C2678503, MONDO:0011233, OMIM 602482.

Submissions (3):

Labcorp Genetics (formerly Invitae), Labcorp
Classification: Benign for Axenfeld-Rieger syndrome type 3. Last evaluated: 2025-08-17. Review status: criteria provided, single submitter. Criteria: Invitae Variant Classification Sherloc (09022015). Collection method: clinical testing. Allele origin: germline.

Blueprint Genetics
Classification: Likely benign. Last evaluated: 2024-11-05. Review status: criteria provided, single submitter. Criteria: ACMG Guidelines, 2015. Collection method: clinical testing. Allele origin: germline.

CeGaT Center for Human Genetics Tuebingen
Classification: Likely benign. Last evaluated: 2024-04-01. Review status: criteria provided, single submitter. Criteria: CeGaT Center For Human Genetics Tuebingen Variant Classification Criteria Version 2. Collection method: clinical testing. Allele origin: germline. Affected: yes. Observed: 1 variant allele.
Comment: FOXC1: BS1